The following is an entry in ClinVar:

NM_182914.3(SYNE2):c.17033C>T (p.Thr5678Met)

Gene: SYNE2 (spectrin repeat containing nuclear envelope protein 2; plus strand). Cytogenetic location: 14q23.2.
Variant type: single nucleotide variant.
Coding change: c.17033C>T on transcript NM_182914.3 (MANE Select); coding-DNA position 17033, C replaced by T.
Protein change: p.Thr5678Met; replaces threonine 5678 with methionine.
Molecular consequence: missense variant.
Genome position (GRCh38, 1-based): chr14:64,170,260, C>T. VCF-style: chr14-64170260-C-T. GRCh37 (hg19) VCF-style: chr14-64636978-C-T.
Other names: c.17033C>T, p.Thr5678Met (NM_015180.6); short protein forms T5678M.
Identifiers: ClinVar variation 313629 (VCV000313629.45), dbSNP rs147365925, ClinGen allele CA7223581.
Genomic context (GRCh38, chr14:64,170,260, plus strand): 5'-GATTCTATAACCATTTGTTTTTCCCCAGACCAGAATTTATTACAGAATTCTCAAAGCTGA[C>T]GGATCGGTGGCAGAATGCTGTCCAGGGTGTTCGGCAGAGGAAGGGTGACGTTGATGGGCT-3'
Protein context (NP_878918.2, residues 5668-5688): PEFITEFSKL[Thr5678Met]DRWQNAVQGV

ClinVar aggregate classification (germline): Benign/Likely benign. Review status: criteria provided, multiple submitters, no conflicts (2 of 4 stars). 6 submissions from 6 submitters: Benign (2); Likely benign (3). 1 of the submissions does not count toward it. Last evaluated 2026-01-26.

Conditions:
SYNE2-related disorder. Also called: SYNE2-related condition.
Emery-Dreifuss muscular dystrophy 5, autosomal dominant (EDMD5). Also called: EMERY-DREIFUSS MUSCULAR DYSTROPHY 5. Identifiers: Orphanet 261, MedGen C2751805, MONDO:0013072, OMIM 612999.

Allele frequency attached by ClinVar (database versions not stated): gnomAD exomes 0.00033 and 0.00056; ExAC 0.00049; ESP Exome Variant Server 0.00069; gnomAD 0.00073; TOPMed 0.00107; 1000 Genomes Project 30x 0.00172; 1000 Genomes Project 0.00200.
gnomAD v4.1: 644 of 1,614,058 alleles (0.04%); highest among the groups gnomAD compares: Admixed American, 0.19%; no homozygotes.

Submissions (6):

Labcorp Genetics (formerly Invitae), Labcorp
Classification: Likely benign for Emery-Dreifuss muscular dystrophy 5, autosomal dominant. Last evaluated: 2026-01-26. Review status: criteria provided, single submitter. Criteria: Invitae Variant Classification Sherloc (09022015). Collection method: clinical testing. Allele origin: germline.

CeGaT Center for Human Genetics Tuebingen
Classification: Benign. Last evaluated: 2025-06-01. Review status: criteria provided, single submitter. Criteria: CeGaT Center For Human Genetics Tuebingen Variant Classification Criteria Version 2. Collection method: clinical testing. Allele origin: germline. Affected: yes. Observed: 3 variant alleles.
Comment: SYNE2: BP4, BS1, BS2

Blueprint Genetics
Classification: Likely benign. Last evaluated: 2024-11-01. Review status: criteria provided, single submitter. Criteria: ACMG Guidelines, 2015. Collection method: clinical testing. Allele origin: germline.

Revvity Omics, Revvity
Classification: Likely benign for Emery-Dreifuss muscular dystrophy 5, autosomal dominant. Last evaluated: 2023-10-13. Review status: criteria provided, single submitter. Criteria: ACMG Guidelines, 2015. Collection method: clinical testing. Allele origin: germline.

Illumina Laboratory Services, Illumina
Classification: Benign for Emery-Dreifuss muscular dystrophy 5, autosomal dominant. Last evaluated: 2018-01-12. Review status: criteria provided, single submitter. Criteria: ICSL Variant Classification Criteria 13 December 2019. Collection method: clinical testing. Allele origin: germline.
Comment: This variant was observed in the ICSL laboratory as part of a predisposition screen in an ostensibly healthy population. It had not been previously curated by ICSL or reported in the Human Gene Mutation Database (HGMD: prior to June 1st, 2018), and was therefore a candidate for classification through an automated scoring system. Utilizing variant allele frequency, disease prevalence and penetrance estimates, and inheritance mode, an automated score was calculated to assess if this variant is too frequent to cause the disease. Based on the score and internal cut-off values, a variant classified as benign is not then subjected to further curation. The score for this variant resulted in a classification of benign for this disease.

PreventionGenetics, part of Exact Sciences
Classification: Likely benign for SYNE2-related condition. Last evaluated: 2022-07-06. Review status: no assertion criteria provided. Collection method: clinical testing. Allele origin: germline. Not counted in ClinVar's aggregate classification.
Comment: This variant is classified as likely benign based on ACMG/AMP sequence variant interpretation guidelines (Richards et al. 2015 PMID: 25741868, with internal and published modifications).